The following is an entry in ClinVar:

NM_004329.3(BMPR1A):c.221A>C (p.Asn74Thr)

Gene: BMPR1A (bone morphogenetic protein receptor type 1A; plus strand). Cytogenetic location: 10q23.2.
Variant type: single nucleotide variant.
Coding change: c.221A>C on transcript NM_004329.3 (MANE Select); coding-DNA position 221, A replaced by C.
Protein change: p.Asn74Thr; replaces asparagine 74 with threonine.
Molecular consequence: missense variant.
Genome position (GRCh38, 1-based): chr10:86,890,215, A>C. VCF-style: chr10-86890215-A-C. GRCh37 (hg19) VCF-style: chr10-88649972-A-C.
Other names: short protein forms N74T.
Identifiers: ClinVar variation 1489992 (VCV001489992.8), dbSNP rs2133396691, ClinGen allele CA377447236.
Genomic context (GRCh38, chr10:86,890,215, plus strand): 5'-ATACCTTGCCTTTTTTAAAGTGCTATTGCTCAGGGCACTGTCCAGATGATGCTATTAATA[A>C]CACATGCATGTAAGTATTTTATGCAGCCCTTCTTAAGAGTTAGGAGAATAGAGTTGCATT-3'
Protein context (NP_004320.2, residues 64-84): SGHCPDDAIN[Asn74Thr]TCITNGHCFA

ClinVar aggregate classification (germline): Uncertain significance (1 of 4 stars; one submission).

Conditions:
Juvenile polyposis syndrome (JPS). Identifiers: Orphanet 2929, MedGen C0345893, MONDO:0017380, OMIM 174900.

Allele frequency attached by ClinVar (database versions not stated): gnomAD exomes below 0.00001.
gnomAD v4.1: 1 of 1,614,144 alleles (0.000062%); highest among the groups gnomAD compares: Non-Finnish European, 0.000085%; no homozygotes.

Submission:

Labcorp Genetics (formerly Invitae), Labcorp
Classification: Uncertain significance for Juvenile polyposis syndrome. Last evaluated: 2020-12-01. Review status: criteria provided, single submitter. Criteria: Invitae Variant Classification Sherloc (09022015). Collection method: clinical testing. Allele origin: germline.
Comment: In summary, the available evidence is currently insufficient to determine the role of this variant in disease. Therefore, it has been classified as a Variant of Uncertain Significance. Algorithms developed to predict the effect of missense changes on protein structure and function are either unavailable or do not agree on the potential impact of this missense change (SIFT: "Tolerated"; PolyPhen-2: "Probably Damaging"; Align-GVGD: "Class C0"). This variant has not been reported in the literature in individuals with BMPR1A-related conditions. This variant is not present in population databases (ExAC no frequency). This sequence change replaces asparagine with threonine at codon 74 of the BMPR1A protein (p.Asn74Thr). The asparagine residue is highly conserved and there is a small physicochemical difference between asparagine and threonine.